The following is an entry in ClinVar:

ClinVar aggregate classification (germline): Uncertain significance (1 of 4 stars; one submission).

Conditions:
CHARGE syndrome (CHARGE). Also called: Hittner Hirsch Kreh syndrome; CHARGE ASSOCIATION--COLOBOMA, HEART ANOMALY, CHOANAL ATRESIA, RETARDATION, GENITAL AND EAR ANOMALIES; Coloboma, heart anomaly, choanal atresia, retardation, genital and ear anomalies; CHARGE association; Hall-Hittner syndrome. Identifiers: Orphanet 138, MedGen C0265354, MONDO:0008965.

Allele frequency attached by ClinVar (database versions not stated): gnomAD exomes below 0.00001.
gnomAD v4.1: 5 of 1,597,398 alleles (0.00031%); highest among the groups gnomAD compares: East Asian, 0.0022%; no homozygotes.

Submission:

Labcorp Genetics (formerly Invitae), Labcorp
Classification: Uncertain significance for CHARGE syndrome. Last evaluated: 2025-11-24. Review status: criteria provided, single submitter. Criteria: Invitae Variant Classification Sherloc (09022015). Collection method: clinical testing. Allele origin: germline.
Comment: This sequence change affects codon 1801 of the CHD7 mRNA. It is a 'silent' change, meaning that it does not change the encoded amino acid sequence of the CHD7 protein. It affects a nucleotide within the consensus splice site. This variant is present in population databases (no rsID available, gnomAD 0.006%). This variant has not been reported in the literature in individuals affected with CHD7-related conditions. ClinVar contains an entry for this variant (Variation ID: 1952343). Algorithms developed to predict the effect of sequence changes on RNA splicing suggest that this variant is not likely to affect RNA splicing. In summary, the available evidence is currently insufficient to determine the role of this variant in disease. Therefore, it has been classified as a Variant of Uncertain Significance.

NM_017780.4(CHD7):c.5403T>C (p.His1801=)

Gene: CHD7 (chromodomain helicase DNA binding protein 7; plus strand). Cytogenetic location: 8q12.2.
Variant type: single nucleotide variant.
Coding change: c.5403T>C on transcript NM_017780.4 (MANE Select); coding-DNA position 5403, T replaced by C.
Protein change: p.His1801=; no amino-acid change (histidine 1801 retained).
Molecular consequence: synonymous variant. On other transcripts: intron variant (1).
Genome position (GRCh38, 1-based): chr8:60,849,153, T>C. VCF-style: chr8-60849153-T-C. GRCh37 (hg19) VCF-style: chr8-61761712-T-C.
Other names: c.1717-13076T>C (NM_001316690.1).
Identifiers: ClinVar variation 1952343 (VCV001952343.5), dbSNP rs1187768277, ClinGen allele CA460848483.